The following is an entry in ClinVar:

ClinVar aggregate classification (germline): Uncertain significance (1 of 4 stars; one submission).

Allele frequency attached by ClinVar (database versions not stated): gnomAD 0.00001; TOPMed 0.00001.
gnomAD v4.1: 26 of 1,609,556 alleles (0.0016%); highest among the groups gnomAD compares: Non-Finnish European, 0.002%; no homozygotes.

Submission:

Labcorp Genetics (formerly Invitae), Labcorp
Classification: Uncertain significance. Last evaluated: 2022-03-28. Review status: criteria provided, single submitter. Criteria: Invitae Variant Classification Sherloc (09022015). Collection method: clinical testing. Allele origin: germline.
Comment: This sequence change replaces arginine, which is basic and polar, with glutamine, which is neutral and polar, at codon 864 of the CEP135 protein (p.Arg864Gln). This variant is present in population databases (rs759817071, gnomAD 0.005%). In summary, the available evidence is currently insufficient to determine the role of this variant in disease. Therefore, it has been classified as a Variant of Uncertain Significance. Algorithms developed to predict the effect of missense changes on protein structure and function are either unavailable or do not agree on the potential impact of this missense change (SIFT: "Deleterious"; PolyPhen-2: "Probably Damaging"; Align-GVGD: "Class C0"). This variant has not been reported in the literature in individuals affected with CEP135-related conditions.

NM_025009.5(CEP135):c.2591G>A (p.Arg864Gln)

Gene: CEP135 (centrosomal protein 135; plus strand). Cytogenetic location: 4q12.
Variant type: single nucleotide variant.
Coding change: c.2591G>A on transcript NM_025009.5 (MANE Select); coding-DNA position 2591, G replaced by A.
Protein change: p.Arg864Gln; replaces arginine 864 with glutamine.
Molecular consequence: missense variant.
Genome position (GRCh38, 1-based): chr4:56,011,497, G>A. VCF-style: chr4-56011497-G-A. GRCh37 (hg19) VCF-style: chr4-56877663-G-A.
Other names: short protein forms R864Q.
Identifiers: ClinVar variation 2150413 (VCV002150413.4), dbSNP rs759817071, ClinGen allele CA2928199.